The following is an entry in ClinVar:

ClinVar aggregate classification (germline): Likely pathogenic (1 of 4 stars; one submission).

Conditions:
KBG syndrome (KBGS). Also called: ANKRD11-Related KBG Syndrome. Identifiers: Orphanet 2332, MedGen C0220687, MONDO:0007846, OMIM 148050.

Submission:

3billion
Classification: Likely pathogenic for KBG syndrome. Last evaluated: 2024-12-24. Review status: criteria provided, single submitter. Criteria: ACMG Guidelines, 2015. Collection method: clinical testing. Allele origin: germline. Affected: yes.
Comment: The variant is not observed in the gnomAD v4.1.0 dataset. Predicted Consequence/Location: Frameshift: predicted to result in a loss or disruption of normal protein function through nonsense-mediated decay (NMD) or protein truncation. Multiple pathogenic variants are reported downstream of the variant. Therefore, this variant is classified as Likely pathogenic according to the recommendation of ACMG/AMP guideline.

NM_013275.6(ANKRD11):c.5139del (p.Ser1714fs)

Gene: ANKRD11 (ankyrin repeat domain 11; minus strand). Cytogenetic location: 16q24.3.
Variant type: Deletion.
Coding change: c.5139del on transcript NM_013275.6 (MANE Select); coding-DNA position 5139, one base deleted (C; older notation c.5139delC).
Protein change: p.Ser1714fs; shifts the reading frame from serine 1714.
Molecular consequence: frameshift variant.
Genome position (GRCh38, 1-based): chr16:89,281,403, G deleted on the plus strand (C on the coding strand, the reverse complement: ANKRD11 is on the minus strand); the first of 4 consecutive G bases (chr16:89,281,403-89,281,406); deleting any one gives the same sequence. VCF-style (leftmost placement, unchanged base first): chr16-89281402-TG-T. GRCh37 (hg19) VCF-style: chr16-89347810-TG-T.
Other names: c.5139del, p.Ser1714fs (NM_001256182.2, NM_001256183.2); short protein forms S1714fs.
Identifiers: ClinVar variation 4293869 (VCV004293869.1).
Genomic context (GRCh38, chr16:89,281,402, plus strand): 5'-CCGCGTAGTCATCGGCGCTGCAGGACGGGGTCCTGGGCGTGTGCATCACCTCCTCGTAGC[TG>T]GGGCAGGATAGCACCGACGTAGGGGTGGGCACGCCAGTGGGCCGGCTCTGGTCAGGCCTG-3'